The following is an entry in ClinVar:

ClinVar aggregate classification (germline): Conflicting classifications of pathogenicity. Review status: criteria provided, conflicting classifications (1 of 4 stars). 3 submissions from 3 submitters: Uncertain significance (2); Likely benign (1). Last evaluated 2026-02-17.

Conditions:
Primary dilated cardiomyopathy (DCM). Also called: Dilated Cardiomyopathy. Identifiers: Orphanet 217604, MedGen C0007193, MeSH D002311, MONDO:0005021, HP:0001644. Inheritance: Various modes of inheritance.
Inborn genetic diseases. Identifiers: MedGen C0950123, MeSH D030342.

Allele frequency attached by ClinVar (database versions not stated): ExAC 0.00002; gnomAD exomes 0.00002; TOPMed 0.00002; gnomAD 0.00003; ESP Exome Variant Server 0.00008; 1000 Genomes Project 0.00020; 1000 Genomes Project 30x 0.00031.
gnomAD v4.1: 35 of 1,613,192 alleles (0.0022%); highest among the groups gnomAD compares: Non-Finnish European, 0.0028%; no homozygotes.

Submissions (3):

Petrovsky National Research Centre of Surgery, The Federal Agency for Scientific Organizations
Classification: Uncertain significance for Primary dilated cardiomyopathy. Last evaluated: 2026-02-17. Review status: criteria provided, single submitter. Criteria: ACMG Guidelines, 2015. Collection method: clinical testing. Allele origin: germline. Affected: yes. Observed: 1 variant allele.
Comment: The variant is in The Genome Aggregation Database (gnomAD) v4.1.0 with total 2.17e-05. (Date of access 2026-02-17). In accordance with ACMG (2015) criteria this variant is classified as Uncertain significance with following criteria selected: PM2, BP4.

Blueprint Genetics
Classification: Likely benign. Last evaluated: 2024-05-16. Review status: criteria provided, single submitter. Criteria: ACMG Guidelines, 2015. Collection method: clinical testing. Allele origin: germline.

Ambry Genetics
Classification: Uncertain significance for Inborn genetic diseases. Last evaluated: 2023-03-20. Review status: criteria provided, single submitter. Criteria: Ambry Variant Classification Scheme 2023. Collection method: clinical testing. Allele origin: germline.

NM_001281740.3(FHOD3):c.4564C>T (p.Pro1522Ser)

Gene: FHOD3 (formin homology 2 domain containing 3; plus strand). Cytogenetic location: 18q12.2.
Variant type: single nucleotide variant.
Coding change: c.4564C>T on transcript NM_001281740.3 (MANE Select); coding-DNA position 4564, C replaced by T.
Protein change: p.Pro1522Ser; replaces proline 1522 with serine.
Molecular consequence: missense variant.
Genome position (GRCh38, 1-based): chr18:36,760,722, C>T. VCF-style: chr18-36760722-C-T. GRCh37 (hg19) VCF-style: chr18-34340685-C-T.
Other names: c.3964C>T, p.Pro1322Ser (NM_001281739.3); c.4015C>T, p.Pro1339Ser (NM_025135.5); short protein forms P1322S, P1339S, P1522S.
Identifiers: ClinVar variation 2513305 (VCV002513305.4), dbSNP rs371075854, ClinGen allele CA8942394.